The following is an entry in ClinVar:

ClinVar aggregate classification (germline): Uncertain significance. Review status: criteria provided, multiple submitters, no conflicts (2 of 4 stars). 2 submissions from 2 submitters: Uncertain significance (2). Last evaluated 2023-01-18.

Conditions:
Loeys-Dietz syndrome 2 (LDS2). Also called: TGFBR2-Related Loeys-Dietz Syndrome; Marfan Syndrome type 2; Marfan like connective tissue disorder; MFS 2; AORTIC ANEURYSM, FAMILIAL THORACIC 3; MARFAN SYNDROME, TYPE II. Identifiers: Orphanet 284973, Orphanet 558, MedGen C2674574, MONDO:0012427, OMIM 610168.

Allele frequency attached by ClinVar (database versions not stated): TOPMed below 0.00001; ExAC 0.00001; gnomAD 0.00001.
gnomAD v4.1: 3 of 1,614,078 alleles (0.00019%); highest among the groups gnomAD compares: South Asian, 0.0011%; no homozygotes.

Submissions (2):

Labcorp Genetics (formerly Invitae), Labcorp
Classification: Uncertain significance for Loeys-Dietz syndrome 2. Last evaluated: 2023-01-18. Review status: criteria provided, single submitter. Criteria: Invitae Variant Classification Sherloc (09022015). Collection method: clinical testing. Allele origin: germline.
Comment: In summary, the available evidence is currently insufficient to determine the role of this variant in disease. Therefore, it has been classified as a Variant of Uncertain Significance. Advanced modeling of protein sequence and biophysical properties (such as structural, functional, and spatial information, amino acid conservation, physicochemical variation, residue mobility, and thermodynamic stability) performed at Invitae indicates that this missense variant is not expected to disrupt TMPO protein function. ClinVar contains an entry for this variant (Variation ID: 1750874). This variant has not been reported in the literature in individuals affected with TMPO-related conditions. This variant is present in population databases (rs758500418, gnomAD 0.003%). This sequence change replaces threonine, which is neutral and polar, with alanine, which is neutral and non-polar, at codon 200 of the TMPO protein (p.Thr200Ala).

Ambry Genetics
Classification: Uncertain significance. Last evaluated: 2021-09-30. Review status: criteria provided, single submitter. Criteria: Ambry Variant Classification Scheme 2023. Collection method: clinical testing. Allele origin: germline.
Comment: The p.T200A variant (also known as c.598A>G), located in coding exon 4 of the TMPO gene, results from an A to G substitution at nucleotide position 598. The threonine at codon 200 is replaced by alanine, an amino acid with similar properties. This amino acid position is conserved. In addition, this alteration is predicted to be tolerated by in silico analysis. Since supporting evidence is limited at this time, the clinical significance of this alteration remains unclear.

NM_001032283.3(TMPO):c.565+1017A>G

Gene: TMPO (thymopoietin; plus strand). Cytogenetic location: 12q23.1.
Variant type: single nucleotide variant.
Coding change: c.565+1017A>G on transcript NM_001032283.3 (MANE Select); 1017 bases into the intron after coding-DNA position 565, A replaced by G.
Molecular consequence: intron variant. On other transcripts: missense variant (1).
Genome position (GRCh38, 1-based): chr12:98,532,855, A>G. VCF-style: chr12-98532855-A-G. GRCh37 (hg19) VCF-style: chr12-98926633-A-G.
Other names: c.598A>G, p.Thr200Ala (NM_003276.2); c.565+1017A>G (NM_001307975.2, NM_001032284.3); short protein forms T200A.
Identifiers: ClinVar variation 1750874 (VCV001750874.5), dbSNP rs758500418, ClinGen allele CA6732254.
Genomic context (GRCh38, chr12:98,532,855, plus strand): 5'-AAACTTCCTGCCTCTTTTGCCTCTACAGGAAAGAAGAAAGAACACAAGAAAGTGAAGTCC[A>G]CTAGGGATATTGTTCCTTTTTCTGAACTTGGAACTACTCCCTCTGGTGGTGGATTTTTTC-3'